The following is an entry in ClinVar:

NM_000254.3(MTR):c.118A>G (p.Met40Val)

Gene: MTR (5-methyltetrahydrofolate-homocysteine methyltransferase; plus strand). Cytogenetic location: 1q43.
Variant type: single nucleotide variant.
Coding change: c.118A>G on transcript NM_000254.3 (MANE Select); coding-DNA position 118, A replaced by G.
Protein change: p.Met40Val; replaces methionine 40 with valine.
Molecular consequence: missense variant. On other transcripts: 5 prime UTR variant (1).
Genome position (GRCh38, 1-based): chr1:236,803,511, A>G. VCF-style: chr1-236803511-A-G. GRCh37 (hg19) VCF-style: chr1-236966811-A-G.
Other names: c.118A>G, p.Met40Val (NM_001291939.1, NM_001410942.1); c.-991A>G (NM_001291940.2); short protein forms M40V.
Identifiers: ClinVar variation 2580055 (VCV002580055.4), dbSNP rs1660805626, ClinGen allele CA345379636.

ClinVar aggregate classification (germline): Uncertain significance. Review status: criteria provided, multiple submitters, no conflicts (2 of 4 stars). 2 submissions from 2 submitters: Uncertain significance (2). Last evaluated 2024-12-02.

Conditions:
Methylcobalamin deficiency type cblG (HMAG). Also called: Functional methionine synthase deficiency type cblG; HOMOCYSTINURIA-MEGALOBLASTIC ANEMIA, cblG TYPE; HOMOCYSTINURIA-MEGALOBLASTIC ANEMIA DUE TO DEFECT IN COBALAMIN METABOLISM, cblG COMPLEMENTATION TYPE; HOMOCYSTINURIA-MEGALOBLASTIC ANEMIA, cblG COMPLEMENTATION TYPE. Identifiers: Orphanet 2170, Orphanet 622, MedGen C1855128, MONDO:0009609, OMIM 250940.

Allele frequency attached by ClinVar (database versions not stated): gnomAD exomes below 0.00001; gnomAD 0.00001.

Submissions (2):

GeneDx
Classification: Uncertain significance. Last evaluated: 2024-12-02. Review status: criteria provided, single submitter. Criteria: GeneDx Variant Classification Process June 2021. Collection method: clinical testing. Allele origin: germline.
Comment: Not observed at significant frequency in large population cohorts (gnomAD); In silico analysis supports that this missense variant has a deleterious effect on protein structure/function; Has not been previously published as pathogenic or benign to our knowledge

Labcorp Genetics (formerly Invitae), Labcorp
Classification: Uncertain significance for Methylcobalamin deficiency type cblG. Last evaluated: 2024-10-07. Review status: criteria provided, single submitter. Criteria: Invitae Variant Classification Sherloc (09022015). Collection method: clinical testing. Allele origin: germline.
Comment: This sequence change replaces methionine, which is neutral and non-polar, with valine, which is neutral and non-polar, at codon 40 of the MTR protein (p.Met40Val). This variant is not present in population databases (gnomAD no frequency). This variant has not been reported in the literature in individuals affected with MTR-related conditions. ClinVar contains an entry for this variant (Variation ID: 2580055). Invitae Evidence Modeling of protein sequence and biophysical properties (such as structural, functional, and spatial information, amino acid conservation, physicochemical variation, residue mobility, and thermodynamic stability) has been performed for this missense variant. However, the output from this modeling did not meet the statistical confidence thresholds required to predict the impact of this variant on MTR protein function. In summary, the available evidence is currently insufficient to determine the role of this variant in disease. Therefore, it has been classified as a Variant of Uncertain Significance.